The following is an entry in ClinVar:

NM_003721.4(RFXANK):c.563G>A (p.Trp188Ter)

Gene: RFXANK (regulatory factor X associated ankyrin containing protein; plus strand). Cytogenetic location: 19p13.11.
Variant type: single nucleotide variant.
Coding change: c.563G>A on transcript NM_003721.4 (MANE Select); coding-DNA position 563, G replaced by A.
Protein change: p.Trp188Ter; replaces tryptophan 188 with a stop codon.
Molecular consequence: nonsense.
Genome position (GRCh38, 1-based): chr19:19,198,231, G>A. VCF-style: chr19-19198231-G-A. GRCh37 (hg19) VCF-style: chr19-19309040-G-A.
Other names: c.497G>A, p.Trp166Ter (NM_001278727.2, NM_001370234.1); c.494G>A, p.Trp165Ter (NM_001278728.2, NM_134440.3); c.563G>A, p.Trp188Ter (NM_001370233.1, NM_001370238.1); c.560G>A, p.Trp187Ter (NM_001370235.1, NM_001370236.1, NM_001370237.1); short protein forms W165*, W166*, W187*, W188*.
Identifiers: ClinVar variation 3629746 (VCV003629746.1).

ClinVar aggregate classification (germline): Pathogenic (1 of 4 stars; one submission).

Conditions:
MHC class II deficiency. Also called: Bare lymphocyte syndrome 2; BLS, TYPE II. Identifiers: Orphanet 572, MedGen C5447452, MONDO:0008855.

Submission:

Women's Health and Genetics/Laboratory Corporation of America, LabCorp
Classification: Pathogenic for MHC class II deficiency. Last evaluated: 2024-11-08. Review status: criteria provided, single submitter. Criteria: LabCorp Variant Classification Summary - May 2015. Collection method: clinical testing. Allele origin: germline.
Comment: Variant summary: RFXANK c.563G>A (p.Trp188X) results in a premature termination codon, predicted to cause a truncation of the encoded protein or absence of the protein due to nonsense mediated decay, which are commonly known mechanisms for disease. Several computational tools predict a significant impact on normal splicing: Four predict the variant strengthens a 5' donor site. However, these predictions have yet to be confirmed by functional studies. The variant was absent in 251362 control chromosomes. To our knowledge, no occurrence of c.563G>A in individuals affected with Bare Lymphocyte Syndrome 2 - RFXANK Related and no experimental evidence demonstrating its impact on protein function have been reported. No submitters have cited clinical-significance assessments for this variant to ClinVar. Based on the evidence outlined above, the variant was classified as pathogenic.